The following is an entry in ClinVar:

NM_001122752.2(SERPINI1):c.250+5G>A

Gene: SERPINI1 (serpin family I member 1; plus strand). Cytogenetic location: 3q26.1.
Variant type: single nucleotide variant.
Coding change: c.250+5G>A on transcript NM_001122752.2 (MANE Select); 5 bases into the intron after coding-DNA position 250, G replaced by A.
Molecular consequence: intron variant.
Genome position (GRCh38, 1-based): chr3:167,789,383, G>A. VCF-style: chr3-167789383-G-A. GRCh37 (hg19) VCF-style: chr3-167507171-G-A.
Other names: c.250+5G>A (NM_005025.5).
Identifiers: ClinVar variation 837983 (VCV000837983.7), dbSNP rs1447537890, ClinGen allele CA547857237.

ClinVar aggregate classification (germline): Uncertain significance (1 of 4 stars; one submission).

Conditions:
Familial encephalopathy with neuroserpin inclusion bodies. Also called: ENCEPHALOPATHY, FAMILIAL, WITH COLLINS BODIES. Identifiers: Orphanet 85110, MedGen C1858680, MONDO:0011412, OMIM 604218.

Allele frequency attached by ClinVar (database versions not stated): gnomAD 0.00001; gnomAD exomes 0.00001 and 0.00002; TOPMed 0.00001.
gnomAD v4.1: 17 of 1,613,802 alleles (0.0011%); highest among the groups gnomAD compares: Non-Finnish European, 0.0013%; no homozygotes.

Submission:

Labcorp Genetics (formerly Invitae), Labcorp
Classification: Uncertain significance for Familial encephalopathy with neuroserpin inclusion bodies. Last evaluated: 2024-09-30. Review status: criteria provided, single submitter. Criteria: Invitae Variant Classification Sherloc (09022015). Collection method: clinical testing. Allele origin: germline.
Comment: This sequence change falls in intron 2 of the SERPINI1 gene. It does not directly change the encoded amino acid sequence of the SERPINI1 protein. It affects a nucleotide within the consensus splice site. This variant is present in population databases (no rsID available, gnomAD 0.004%). This variant has not been reported in the literature in individuals affected with SERPINI1-related conditions. ClinVar contains an entry for this variant (Variation ID: 837983). Variants that disrupt the consensus splice site are a relatively common cause of aberrant splicing (PMID: 17576681, 9536098). Algorithms developed to predict the effect of sequence changes on RNA splicing suggest that this variant may disrupt the consensus splice site. In summary, the available evidence is currently insufficient to determine the role of this variant in disease. Therefore, it has been classified as a Variant of Uncertain Significance.

Literature cited by the submitters: PubMed 17576681; PubMed 9536098.